The following is an entry in ClinVar:

ClinVar aggregate classification (germline): Uncertain significance. Review status: criteria provided, multiple submitters, no conflicts (2 of 4 stars). 2 submissions from 2 submitters: Uncertain significance (2). Last evaluated 2025-11-27.

Conditions:
Inborn genetic diseases. Identifiers: MedGen C0950123, MeSH D030342.
Brachyolmia-amelogenesis imperfecta syndrome. Also called: PLATYSPONDYLY WITH AMELOGENESIS IMPERFECTA; Tooth agenesis, selective, 6; Dental anomalies and short stature. Identifiers: Orphanet 2899, MedGen C1832594, MONDO:0011018, OMIM 601216. Disease mechanism: loss of function.

gnomAD v4.1: 10 of 1,609,904 alleles (0.00062%); highest among the groups gnomAD compares: South Asian, 0.0099%; no homozygotes.

Submissions (2):

Labcorp Genetics (formerly Invitae), Labcorp
Classification: Uncertain significance for Brachyolmia-amelogenesis imperfecta syndrome. Last evaluated: 2025-11-27. Review status: criteria provided, single submitter. Criteria: Invitae Variant Classification Sherloc (09022015). Collection method: clinical testing. Allele origin: germline.
Comment: This sequence change replaces alanine, which is neutral and non-polar, with threonine, which is neutral and polar, at codon 163 of the LTBP3 protein (p.Ala163Thr). This variant is not present in population databases (gnomAD no frequency). This variant has not been reported in the literature in individuals affected with LTBP3-related conditions. ClinVar contains an entry for this variant (Variation ID: 3541086). An algorithm developed to predict the effect of missense changes on protein structure and function outputs the following: PolyPhen-2: "Benign". The threonine amino acid residue is found in multiple mammalian species, which suggests that this missense change does not adversely affect protein function. In summary, the available evidence is currently insufficient to determine the role of this variant in disease. Therefore, it has been classified as a Variant of Uncertain Significance.

Ambry Genetics
Classification: Uncertain significance for Inborn genetic diseases. Last evaluated: 2025-05-30. Review status: criteria provided, single submitter. Criteria: Ambry Variant Classification Scheme 2023. Collection method: clinical testing. Allele origin: germline.

NM_001130144.3(LTBP3):c.487G>A (p.Ala163Thr)

Gene: LTBP3 (latent transforming growth factor beta binding protein 3; minus strand). Cytogenetic location: 11q13.1.
Variant type: single nucleotide variant.
Coding change: c.487G>A on transcript NM_001130144.3 (MANE Select); coding-DNA position 487, G replaced by A.
Protein change: p.Ala163Thr; replaces alanine 163 with threonine.
Molecular consequence: missense variant.
Genome position (GRCh38, 1-based): chr11:65,554,225, C>T on the plus strand (G>A on the coding strand, the complement: LTBP3 is on the minus strand). VCF-style: chr11-65554225-C-T. GRCh37 (hg19) VCF-style: chr11-65321696-C-T.
Other names: c.136G>A, p.Ala46Thr (NM_001164266.1); c.487G>A, p.Ala163Thr (NM_021070.4); short protein forms A163T, A46T.
Identifiers: ClinVar variation 3541086 (VCV003541086.4).